The following is an entry in ClinVar:

ClinVar aggregate classification (germline): Uncertain significance (1 of 4 stars; one submission).

Allele frequency attached by ClinVar (database versions not stated): gnomAD 0.00001; gnomAD exomes below 0.00001.
gnomAD v4.1: 2 of 1,599,426 alleles (0.00013%); highest among the groups gnomAD compares: Non-Finnish European, 0.000086%; no homozygotes.

Submission:

Labcorp Genetics (formerly Invitae), Labcorp
Classification: Uncertain significance. Last evaluated: 2021-11-02. Review status: criteria provided, single submitter. Criteria: Invitae Variant Classification Sherloc (09022015). Collection method: clinical testing. Allele origin: germline.
Comment: This variant has not been reported in the literature in individuals affected with PEX3-related conditions. This sequence change falls in intron 10 of the PEX3 gene. It does not directly change the encoded amino acid sequence of the PEX3 protein. It affects a nucleotide within the consensus splice site. This variant is not present in population databases (gnomAD no frequency). Variants that disrupt the consensus splice site are a relatively common cause of aberrant splicing (PMID: 17576681, 9536098). Algorithms developed to predict the effect of sequence changes on RNA splicing suggest that this variant may disrupt the consensus splice site. In summary, the available evidence is currently insufficient to determine the role of this variant in disease. Therefore, it has been classified as a Variant of Uncertain Significance.

Literature cited by the submitters: PubMed 17576681; PubMed 9536098.

NM_003630.3(PEX3):c.941+5G>T

Gene: PEX3 (peroxisomal biogenesis factor 3; plus strand). Cytogenetic location: 6q24.2.
Variant type: single nucleotide variant.
Coding change: c.941+5G>T on transcript NM_003630.3 (MANE Select); 5 bases into the intron after coding-DNA position 941, G replaced by T.
Molecular consequence: intron variant.
Genome position (GRCh38, 1-based): chr6:143,479,203, G>T. VCF-style: chr6-143479203-G-T. GRCh37 (hg19) VCF-style: chr6-143800340-G-T.
Identifiers: ClinVar variation 1387872 (VCV001387872.4), dbSNP rs1480599500, ClinGen allele CA570624043.